The following is an entry in ClinVar:

NM_003242.6(TGFBR2):c.1585C>A (p.Leu529Ile)

Gene: TGFBR2 (transforming growth factor beta receptor 2; plus strand). Cytogenetic location: 3p24.1.
Variant type: single nucleotide variant.
Coding change: c.1585C>A on transcript NM_003242.6 (MANE Select); coding-DNA position 1585, C replaced by A.
Protein change: p.Leu529Ile; replaces leucine 529 with isoleucine.
Molecular consequence: missense variant.
Genome position (GRCh38, 1-based): chr3:30,691,480, C>A. VCF-style: chr3-30691480-C-A. GRCh37 (hg19) VCF-style: chr3-30732972-C-A.
Other names: c.1660C>A, p.Leu554Ile (NM_001024847.3); c.1768C>A, p.Leu590Ile (NM_001407126.1); c.1693C>A, p.Leu565Ile (NM_001407127.1); c.1612C>A, p.Leu538Ile (NM_001407128.1); c.1588C>A, p.Leu530Ile (NM_001407129.1); c.1582C>A, p.Leu528Ile (NM_001407130.1); c.1480C>A, p.Leu494Ile (NM_001407132.1, NM_001407133.1, NM_001407134.1 and 2 more transcripts); c.1300C>A, p.Leu434Ile (NM_001407137.1); and 2 more; short protein forms L239I, L434I, L528I, L554I, L590I, L409I, L530I, L538I.
Identifiers: ClinVar variation 4635591 (VCV004635591.1).

ClinVar aggregate classification (germline): Uncertain significance (1 of 4 stars; one submission).

Conditions:
Familial thoracic aortic aneurysm and aortic dissection (TAAD). Also called: Thoracic aortic aneurysms and dissections. Identifiers: Orphanet 91387, MedGen C4707243, MONDO:0019625.

Submission:

Ambry Genetics
Classification: Uncertain significance for Familial thoracic aortic aneurysm and aortic dissection. Last evaluated: 2025-11-22. Review status: criteria provided, single submitter. Criteria: Ambry Variant Classification Scheme 2023. Collection method: clinical testing. Allele origin: germline.
Comment: The p.L529I variant (also known as c.1585C>A), located in coding exon 7 of the TGFBR2 gene, results from a C to A substitution at nucleotide position 1585. The leucine at codon 529 is replaced by isoleucine, an amino acid with highly similar properties. This amino acid position is conserved. In addition, this alteration is predicted to be deleterious by in silico analysis. Based on the available evidence, the clinical significance of this variant remains unclear.